The following is an entry in ClinVar:

NM_000536.4(RAG2):c.814G>A (p.Val272Ile)

Gene: RAG2 (recombination activating 2; minus strand). Cytogenetic location: 11p12.
Variant type: single nucleotide variant.
Coding change: c.814G>A on transcript NM_000536.4 (MANE Select); coding-DNA position 814, G replaced by A.
Protein change: p.Val272Ile; replaces valine 272 with isoleucine.
Molecular consequence: missense variant.
Genome position (GRCh38, 1-based): chr11:36,593,355, C>T on the plus strand (G>A on the coding strand, the complement: RAG2 is on the minus strand). VCF-style: chr11-36593355-C-T. GRCh37 (hg19) VCF-style: chr11-36614905-C-T.
Other names: c.814G>A, p.Val272Ile (NM_001243785.2, NM_001243786.2); short protein forms V272I.
Identifiers: ClinVar variation 841530 (VCV000841530.6), dbSNP rs117899975, ClinGen allele CA5950519.

ClinVar aggregate classification (germline): Likely benign. Review status: criteria provided, single submitter (1 of 4 stars). 3 submissions from 3 submitters: Likely benign (1). 2 of the submissions do not count toward it. Last evaluated 2026-01-28.

Conditions:
Severe combined immunodeficiency, autosomal recessive, T cell-negative, B cell-negative, NK cell-positive. Also called: SCID, T CELL-NEGATIVE, B CELL-NEGATIVE, NK CELL-POSITIVE; Severe combined immunodeficiency due to complete RAG1/2 deficiency; SCID, AR, T-cell negative, B-cell negative, NK cell-positive. Identifiers: Orphanet 331206, MedGen C1832322, MONDO:0011086, OMIM 601457.
Combined immunodeficiency with skin granulomas. Identifiers: Orphanet 157949, MedGen C2673536, MONDO:0009306, OMIM 233650.
Histiocytic medullary reticulosis. Also called: SEVERE COMBINED IMMUNODEFICIENCY WITH HYPEREOSINOPHILIA; Omenn syndrome. Identifiers: Orphanet 39041, MedGen C2700553, MONDO:0011338, OMIM 603554.

Allele frequency attached by ClinVar (database versions not stated): TOPMed 0.00013; 1000 Genomes Project 0.00120; 1000 Genomes Project 30x 0.00141.
gnomAD v4.1: 123 of 1,614,072 alleles (0.0076%); highest among the groups gnomAD compares: East Asian, 0.094%; 1 homozygote.

Submissions (3):

Labcorp Genetics (formerly Invitae), Labcorp
Classification: Likely benign for Combined immunodeficiency with skin granulomas; Severe combined immunodeficiency, autosomal recessive, T cell-negative, B cell-negative, NK cell-positive. Last evaluated: 2026-01-28. Review status: criteria provided, single submitter. Criteria: Invitae Variant Classification Sherloc (09022015). Collection method: clinical testing. Allele origin: germline.

Natera, Inc.
Classification: Uncertain significance for Omenn syndrome. Last evaluated: 2020-01-24. Review status: no assertion criteria provided. Collection method: clinical testing. Allele origin: germline. Not counted in ClinVar's aggregate classification.

Department of Pathology and Laboratory Medicine, Sinai Health System
Classification: Uncertain significance. Review status: no assertion criteria provided. Collection method: clinical testing. Allele origin: unknown. Affected: yes. Study: The Canadian Open Genetics Repository (COGR). Not counted in ClinVar's aggregate classification.
Comment: The RAG2 p.Val272Ile variant was not identified in the literature nor was it identified in ClinVar or LOVD 3.0. The variant was identified in dbSNP (ID: rs117899975) and in Cosmic (confirmed somatically in pancreas carcinoma tumour sample; FATHMM prediction of pathogenic, score 0.95). The variant was also identified in control databases in 48 of 282752 chromosomes at a frequency of 0.00017 (Genome Aggregation Database Feb 27, 2017). The variant was observed in the following populations: East Asian in 35 of 19948 chromosomes (freq: 0.001755), South Asian in 12 of 30616 chromosomes (freq: 0.000392) and European (non-Finnish) in 1 of 129116 chromosomes (freq: 0.000008), but was not observed in the African, Latino, Ashkenazi Jewish, European (Finnish) or Other populations. The p.Val272 residue is conserved in mammals but not in more distantly related organisms however four out of five computational analyses (PolyPhen-2, SIFT, AlignGVGD, BLOSUM, MutationTaster) do not suggest a high likelihood of impact to the protein; this information is not predictive enough to rule out pathogenicity. The variant occurs outside of the splicing consensus sequence and in silico or computational prediction software programs (SpliceSiteFinder, MaxEntScan, NNSPLICE, GeneSplicer) do not predict a difference in splicing. In summary, based on the above information the clinical significance of this variant cannot be determined with certainty at this time. This variant is classified as a variant of uncertain significance.